The following is an entry in ClinVar:

ClinVar aggregate classification (germline): Likely benign (1 of 4 stars; one submission).

Conditions:
Refsum disease, classic. Also called: HEREDOPATHIA ATACTICA POLYNEURITIFORMIS; HMSN IV; PHYTANIC ACID OXIDASE DEFICIENCY; PHYH-Related Refsum Disease. Identifiers: Orphanet 773, MedGen C5780941, MONDO:1060256, OMIM 266500. Disease mechanism: loss of function.

Allele frequency attached by ClinVar (database versions not stated): 1000 Genomes Project 0.00200; ExAC 0.00053; TOPMed 0.00180; gnomAD exomes 0.00042; 1000 Genomes Project 30x 0.00203; ESP Exome Variant Server 0.00169; gnomAD 0.00180 and 0.00192.
gnomAD v4.1: 543 of 1,240,320 alleles (0.044%); highest among the groups gnomAD compares: African/African-American, 0.58%; 3 homozygotes.

Submission:

Illumina Laboratory Services, Illumina
Classification: Likely benign for Refsum disease, classic. Last evaluated: 2018-01-13. Review status: criteria provided, single submitter. Criteria: ICSL Variant Classification Criteria 13 December 2019. Collection method: clinical testing. Allele origin: germline.
Comment: This variant was observed in the ICSL laboratory as part of a predisposition screen in an ostensibly healthy population. It had not been previously curated by ICSL or reported in the Human Gene Mutation Database (HGMD: prior to June 1st, 2018), and was therefore a candidate for classification through an automated scoring system. Utilizing variant allele frequency, disease prevalence and penetrance estimates, and inheritance mode, an automated score was calculated to assess if this variant is too frequent to cause the disease. Based on the score and internal cut-off values, a variant classified as likely benign is not then subjected to further curation. The score for this variant resulted in a classification of likely benign for this disease.

NM_006214.4(PHYH):c.*47G>A

Gene: PHYH (phytanoyl-CoA 2-hydroxylase; minus strand). Cytogenetic location: 10p13.
Variant type: single nucleotide variant.
Coding change: c.*47G>A on transcript NM_006214.4 (MANE Select); 47 bases downstream of the stop codon, G replaced by A.
Molecular consequence: 3 prime UTR variant.
Genome position (GRCh38, 1-based): chr10:13,278,254, C>T on the plus strand (G>A on the coding strand, the complement: PHYH is on the minus strand). VCF-style: chr10-13278254-C-T. GRCh37 (hg19) VCF-style: chr10-13320254-C-T.
Other names: c.*47G>A (NM_001037537.2, NM_001323080.2, NM_001323082.2 and 2 more transcripts).
Identifiers: ClinVar variation 299241 (VCV000299241.5), dbSNP rs180770135, ClinGen allele CA5412161.
Genomic context (GRCh38, chr10:13,278,254, plus strand): 5'-TTAACAAGTGATAGAAAAGGTTACATCATCTCATTAAGAAAACATTTTCCTTAGACATTT[C>T]GTTTGGTTTTGGTTTTCTGTTGAAAGAGTTATAGCAGATGGCTATTTCAAAGATTGGTTC-3'